The following is an entry in ClinVar:

NM_018896.5(CACNA1G):c.1795C>G (p.Pro599Ala)

Gene: CACNA1G (calcium voltage-gated channel subunit alpha1 G; plus strand). Cytogenetic location: 17q21.33.
Variant type: single nucleotide variant.
Coding change: c.1795C>G on transcript NM_018896.5 (MANE Select); coding-DNA position 1795, C replaced by G.
Protein change: p.Pro599Ala; replaces proline 599 with alanine.
Molecular consequence: missense variant. On other transcripts: non-coding transcript variant (5).
Genome position (GRCh38, 1-based): chr17:50,576,197, C>G. VCF-style: chr17-50576197-C-G. GRCh37 (hg19) VCF-style: chr17-48653558-C-G.
Other names: c.1795C>G, p.Pro599Ala (NM_001256324.2, NM_001256325.2, NM_001256326.2 and 24 more transcripts); short protein forms P599A.
Identifiers: ClinVar variation 2443504 (VCV002443504.3), dbSNP rs201894362, ClinGen allele CA400239274.

ClinVar aggregate classification (germline): Uncertain significance. Review status: criteria provided, multiple submitters, no conflicts (2 of 4 stars). 2 submissions from 2 submitters: Uncertain significance (2). Last evaluated 2024-03-15.

Submissions (2):

Labcorp Genetics (formerly Invitae), Labcorp
Classification: Uncertain significance. Last evaluated: 2024-03-15. Review status: criteria provided, single submitter. Criteria: Invitae Variant Classification Sherloc (09022015). Collection method: clinical testing. Allele origin: germline.
Comment: This sequence change replaces proline, which is neutral and non-polar, with alanine, which is neutral and non-polar, at codon 599 of the CACNA1G protein (p.Pro599Ala). This variant is not present in population databases (gnomAD no frequency). This variant has not been reported in the literature in individuals affected with CACNA1G-related conditions. ClinVar contains an entry for this variant (Variation ID: 2443504). Advanced modeling of protein sequence and biophysical properties (such as structural, functional, and spatial information, amino acid conservation, physicochemical variation, residue mobility, and thermodynamic stability) performed at Invitae indicates that this missense variant is not expected to disrupt CACNA1G protein function with a negative predictive value of 95%. In summary, the available evidence is currently insufficient to determine the role of this variant in disease. Therefore, it has been classified as a Variant of Uncertain Significance.

GeneDx
Classification: Uncertain significance. Last evaluated: 2022-09-07. Review status: criteria provided, single submitter. Criteria: GeneDx Variant Classification Process June 2021. Collection method: clinical testing. Allele origin: germline. Affected: yes.
Comment: Not observed at significant frequency in large population cohorts (gnomAD); In silico analysis supports that this missense variant has a deleterious effect on protein structure/function; Has not been previously published as pathogenic or benign to our knowledge